The following is an entry in ClinVar:

NM_012431.3(SEMA3E):c.1084G>A (p.Gly362Arg)

Gene: SEMA3E (semaphorin 3E; minus strand). Cytogenetic location: 7q21.11.
Variant type: single nucleotide variant.
Coding change: c.1084G>A on transcript NM_012431.3 (MANE Select); coding-DNA position 1084, G replaced by A.
Protein change: p.Gly362Arg; replaces glycine 362 with arginine.
Molecular consequence: missense variant.
Genome position (GRCh38, 1-based): chr7:83,402,691, C>T on the plus strand (G>A on the coding strand, the complement: SEMA3E is on the minus strand). VCF-style: chr7-83402691-C-T. GRCh37 (hg19) VCF-style: chr7-83032007-C-T.
Other names: c.904G>A, p.Gly302Arg (NM_001178129.2); short protein forms G362R, G302R.
Identifiers: ClinVar variation 651587 (VCV000651587.9), dbSNP rs751565672, ClinGen allele CA4322113.
Genomic context (GRCh38, chr7:83,402,691, plus strand): 5'-CAGAACCAGGCCTTGGATAAGGGACTTTTCCTTCATAGACTGACCAGTGGTATTCAGGTC[C>T]TTCCTTATGTGCATATGGTCCGTTGAAGGCTGCCCGAATGCTAGACATGTGATAGACACA-3'
Protein context (NP_036563.1, residues 352-372): AFNGPYAHKE[Gly362Arg]PEYHWSVYEG

ClinVar aggregate classification (germline): Uncertain significance. Review status: criteria provided, multiple submitters, no conflicts (2 of 4 stars). 2 submissions from 2 submitters: Uncertain significance (2). Last evaluated 2024-10-17.

Conditions:
CHARGE syndrome (CHARGE). Also called: Coloboma, heart anomaly, choanal atresia, retardation, genital and ear anomalies; CHARGE association; Hall-Hittner syndrome; Hittner Hirsch Kreh syndrome; CHARGE ASSOCIATION--COLOBOMA, HEART ANOMALY, CHOANAL ATRESIA, RETARDATION, GENITAL AND EAR ANOMALIES. Identifiers: Orphanet 138, MedGen C0265354, MONDO:0008965.
SEMA3E-related disorder. Also called: SEMA3E-related condition.

Allele frequency attached by ClinVar (database versions not stated): gnomAD exomes 0.00001 and 0.00002; TOPMed 0.00001; ExAC 0.00002.
gnomAD v4.1: 7 of 1,613,000 alleles (0.00043%); highest among the groups gnomAD compares: East Asian, 0.011%; no homozygotes.

Submissions (2):

PreventionGenetics, part of Exact Sciences
Classification: Uncertain significance for SEMA3E-related condition. Last evaluated: 2024-10-17. Review status: criteria provided, single submitter. Criteria: ACMG Guidelines, 2015. Collection method: clinical testing. Allele origin: germline.
Comment: The SEMA3E c.1084G>A variant is predicted to result in the amino acid substitution p.Gly362Arg. To our knowledge, this variant has not been reported in the literature. This variant is reported in 0.033% of alleles in individuals of East Asian descent in gnomAD. Although we suspect that this variant may be benign, at this time, the clinical significance of this variant is uncertain due to the absence of conclusive functional and genetic evidence.

Labcorp Genetics (formerly Invitae), Labcorp
Classification: Uncertain significance for CHARGE syndrome. Last evaluated: 2018-08-09. Review status: criteria provided, single submitter. Criteria: Invitae Variant Classification Sherloc (09022015). Collection method: clinical testing. Allele origin: germline.
Comment: Algorithms developed to predict the effect of missense changes on protein structure and function are either unavailable or do not agree on the potential impact of this missense change (SIFT: "Deleterious"; PolyPhen-2: "Benign"; Align-GVGD: "Class C15"). This variant has not been reported in the literature in individuals with SEMA3E-related disease. This variant is present in population databases (rs751565672, ExAC 0.02%). This sequence change replaces glycine with arginine at codon 362 of the SEMA3E protein (p.Gly362Arg). The glycine residue is highly conserved and there is a moderate physicochemical difference between glycine and arginine. In summary, the available evidence is currently insufficient to determine the role of this variant in disease. Therefore, it has been classified as a Variant of Uncertain Significance.